The following is an entry in ClinVar:

ClinVar aggregate classification (germline): Uncertain significance. Review status: criteria provided, multiple submitters, no conflicts (2 of 4 stars). 2 submissions from 2 submitters: Uncertain significance (2). Last evaluated 2025-08-05.

Conditions:
Inborn genetic diseases. Identifiers: MedGen C0950123, MeSH D030342.
FGA-related disorder. Also called: FGA-related condition; FGA-related disorders.

Allele frequency attached by ClinVar (database versions not stated): gnomAD exomes below 0.00001; ExAC 0.00001; TOPMed 0.00002; gnomAD 0.00003.
gnomAD v4.1: 6 of 1,614,052 alleles (0.00037%); highest among the groups gnomAD compares: African/African-American, 0.0067%; no homozygotes.

Submissions (2):

Ambry Genetics
Classification: Uncertain significance for Inborn genetic diseases. Last evaluated: 2025-08-05. Review status: criteria provided, single submitter. Criteria: Ambry Variant Classification Scheme 2023. Collection method: clinical testing. Allele origin: germline.

PreventionGenetics, part of Exact Sciences
Classification: Uncertain significance for FGA-related condition. Last evaluated: 2023-05-19. Review status: criteria provided, single submitter. Criteria: ACMG Guidelines, 2015. Collection method: clinical testing. Allele origin: germline.
Comment: The FGA c.1330A>G variant is predicted to result in the amino acid substitution p.Thr444Ala. To our knowledge, this variant has not been reported in the literature. This variant is reported in 0.012% of alleles in individuals of African descent in gnomAD. At this time, the clinical significance of this variant is uncertain due to the absence of conclusive functional and genetic evidence.

NM_021871.4(FGA):c.1330A>G (p.Thr444Ala)

Gene: FGA (fibrinogen alpha chain; minus strand). Cytogenetic location: 4q31.3.
Variant type: single nucleotide variant.
Coding change: c.1330A>G on transcript NM_021871.4 (MANE Select); coding-DNA position 1330, A replaced by G.
Protein change: p.Thr444Ala; replaces threonine 444 with alanine.
Molecular consequence: missense variant.
Genome position (GRCh38, 1-based): chr4:154,586,099, T>C on the plus strand (A>G on the coding strand, the complement: FGA is on the minus strand). VCF-style: chr4-154586099-T-C. GRCh37 (hg19) VCF-style: chr4-155507251-T-C.
Other names: c.1330A>G, p.Thr444Ala (NM_000508.5); short protein forms T444A.
Identifiers: ClinVar variation 2632512 (VCV002632512.2), dbSNP rs760305794, ClinGen allele CA3115105.